The following is an entry in ClinVar:

ClinVar aggregate classification (germline): Pathogenic (1 of 4 stars; one submission).

Submission:

ISCA site 14
Classification: Pathogenic. Last evaluated: 2011-08-12. Review status: criteria provided, single submitter. Criteria: Kaminsky et al. (Genet Med. 2011). Collection method: clinical testing. Allele origin: de novo. Affected: yes. Observed: 1 variant allele.
Comment: Copy number variation identified through the course of routine clinical cytogenomic testing in postnatal populations. Clinical assertions have been curated as described in Kaminsky et al. 2011.

GRCh38/hg38 21q22.3(chr21:45801860-46670405)x1

Genes: C21orf58 (chromosome 21 open reading frame 58; minus strand), COL6A1 (collagen type VI alpha 1 chain; plus strand), COL6A2 (collagen type VI alpha 2 chain; plus strand), COL6A2-DT (COL6A2 divergent transcript; minus strand), DIP2A (disco interacting protein 2 homolog A; plus strand) and 49 more. Cytogenetic location: 21q22.3.
Variant type: copy number loss.
Change: copy number 1 (one copy instead of two) of chr21:45,801,860-46,670,405 (868.5 kb, GRCh38 coordinates, 1-based), cytogenetic band 21q22.3.
Identifiers: ClinVar variation 59069 (VCV000059069.1).